The following is an entry in ClinVar:

NM_017950.4(CCDC40):c.2408del (p.Lys803fs)

Gene: CCDC40 (coiled-coil domain 40 molecular ruler complex subunit; plus strand). Cytogenetic location: 17q25.3.
Variant type: Deletion.
Coding change: c.2408del on transcript NM_017950.4 (MANE Select); coding-DNA position 2408, one base deleted (A; older notation c.2408delA).
Protein change: p.Lys803fs; shifts the reading frame from lysine 803.
Molecular consequence: frameshift variant.
Genome position (GRCh38, 1-based): chr17:80,086,175, A deleted; the last of 2 consecutive A bases (chr17:80,086,174-80,086,175); deleting either gives the same sequence. VCF-style (leftmost placement, unchanged base first): chr17-80086173-GA-G. GRCh37 (hg19) VCF-style: chr17-78059972-GA-G.
Other names: c.2408del, p.Lys803fs (NM_001243342.2); short protein forms K803fs.
Identifiers: ClinVar variation 1790829 (VCV001790829.4), dbSNP rs2510315381, ClinGen allele CA2580095340.

ClinVar aggregate classification (germline): Pathogenic. Review status: criteria provided, multiple submitters, no conflicts (2 of 4 stars). 2 submissions from 2 submitters: Pathogenic (2). Last evaluated 2024-05-01.

Conditions:
Primary ciliary dyskinesia. Also called: Ciliary dyskinesia. Identifiers: Orphanet 244, MedGen C0008780, MONDO:0016575, HP:0012265.

Submissions (2):

Labcorp Genetics (formerly Invitae), Labcorp
Classification: Pathogenic for Primary ciliary dyskinesia. Last evaluated: 2024-05-01. Review status: criteria provided, single submitter. Criteria: Invitae Variant Classification Sherloc (09022015). Collection method: clinical testing. Allele origin: germline.
Comment: This sequence change creates a premature translational stop signal (p.Lys803Argfs*13) in the CCDC40 gene. It is expected to result in an absent or disrupted protein product. Loss-of-function variants in CCDC40 are known to be pathogenic (PMID: 21131974, 22693285, 23255504). This variant is not present in population databases (gnomAD no frequency). This variant has not been reported in the literature in individuals affected with CCDC40-related conditions. ClinVar contains an entry for this variant (Variation ID: 1790829). For these reasons, this variant has been classified as Pathogenic.

Ambry Genetics
Classification: Pathogenic for Primary ciliary dyskinesia. Last evaluated: 2022-04-04. Review status: criteria provided, single submitter. Criteria: Ambry Variant Classification Scheme 2023. Collection method: clinical testing. Allele origin: germline.
Comment: The c.2408delA pathogenic mutation, located in coding exon 14 of the CCDC40 gene, results from a deletion of one nucleotide at nucleotide position 2408, causing a translational frameshift with a predicted alternate stop codon (p.K803Rfs*13). This variant is considered to be rare based on population cohorts in the Genome Aggregation Database (gnomAD). This alteration is expected to result in loss of function by premature protein truncation or nonsense-mediated mRNA decay. As such, this alteration is interpreted as a disease-causing mutation.

Literature cited by the submitters: PubMed 21131974 (cited by Labcorp Genetics (formerly Invitae), Labcorp); PubMed 22693285 (cited by Labcorp Genetics (formerly Invitae), Labcorp); PubMed 23255504 (cited by Labcorp Genetics (formerly Invitae), Labcorp).